The following is an entry in ClinVar:

NM_001374736.1(DST):c.17158A>G (p.Thr5720Ala)

Gene: DST (dystonin; minus strand). Cytogenetic location: 6p12.1.
Variant type: single nucleotide variant.
Coding change: c.17158A>G on transcript NM_001374736.1 (MANE Select); coding-DNA position 17158, A replaced by G.
Protein change: p.Thr5720Ala; replaces threonine 5720 with alanine.
Molecular consequence: missense variant.
Genome position (GRCh38, 1-based): chr6:56,530,084, T>C on the plus strand (A>G on the coding strand, the complement: DST is on the minus strand). VCF-style: chr6-56530084-T-C. GRCh37 (hg19) VCF-style: chr6-56394882-T-C.
Other names: c.10801A>G, p.Thr3601Ala (NM_001144769.5); c.10387A>G, p.Thr3463Ala (NM_001144770.2); c.17158A>G, p.Thr5720Ala (NM_001374722.1); c.16525A>G, p.Thr5509Ala (NM_001374729.1); c.10267A>G, p.Thr3423Ala (NM_001374730.1, NM_001386100.1, NM_183380.4); c.17185A>G, p.Thr5729Ala (NM_001374734.1); c.9289A>G, p.Thr3097Ala (NM_015548.5); short protein forms T5720A, T3423A, T5509A, T5729A, T3097A, T3463A, T3601A.
Identifiers: ClinVar variation 1037753 (VCV001037753.7), dbSNP rs761029398, ClinGen allele CA3867500.

ClinVar aggregate classification (germline): Uncertain significance (1 of 4 stars; one submission).

Conditions:
Hereditary sensory and autonomic neuropathy type 6. Also called: Neuropathy, hereditary sensory and autonomic, type VI; HSAN VI. Identifiers: Orphanet 314381, MedGen C3539003, MONDO:0013839, OMIM 614653.
Epidermolysis bullosa simplex 3, localized or generalized intermediate, with BP230 deficiency (EBS3). Also called: Epidermolysis bullosa simplex, autosomal recessive 2; Epidermolysis bullosa simplex due to BP230 deficiency. Identifiers: Orphanet 412181, MedGen C3809470, MONDO:0014180, OMIM 615425.

Allele frequency attached by ClinVar (database versions not stated): gnomAD exomes below 0.00001; ExAC 0.00001.

Submission:

Labcorp Genetics (formerly Invitae), Labcorp
Classification: Uncertain significance for Epidermolysis bullosa simplex 3, localized or generalized intermediate, with BP230 deficiency; Hereditary sensory and autonomic neuropathy type 6. Last evaluated: 2020-10-21. Review status: criteria provided, single submitter. Criteria: Invitae Variant Classification Sherloc (09022015). Collection method: clinical testing. Allele origin: germline.
Comment: Experimental studies and prediction algorithms are not available or were not evaluated, and the functional significance of this variant is currently unknown. In summary, the available evidence is currently insufficient to determine the role of this variant in disease. Therefore, it has been classified as a Variant of Uncertain Significance. This variant has not been reported in the literature in individuals with DST-related conditions. This sequence change replaces threonine with alanine at codon 3097 of the DST protein (p.Thr3097Ala). The DST gene has multiple clinically relevant transcripts. This variant occurs in alternate transcript NM_015548.4, and corresponds to NM_001723.5:c.*85433A>G in the primary transcript. This variant is present in population databases (rs761029398, ExAC 0.01%).